The following is an entry in ClinVar:

ClinVar aggregate classification (germline): Likely benign (0 of 4 stars; one submission).

Conditions:
SDK2-related disorder. Also called: SDK2-related condition.

Allele frequency attached by ClinVar (database versions not stated): gnomAD 0.00003; TOPMed 0.00005; ExAC 0.00009; gnomAD exomes 0.00012; ESP Exome Variant Server 0.00015.
gnomAD v4.1: 177 of 1,609,768 alleles (0.011%); highest among the groups gnomAD compares: Middle Eastern, 0.082%; no homozygotes.

Submission:

PreventionGenetics, part of Exact Sciences
Classification: Likely benign for SDK2-related condition. Last evaluated: 2019-06-06. Review status: no assertion criteria provided. Collection method: clinical testing. Allele origin: germline.
Comment: This variant is classified as likely benign based on ACMG/AMP sequence variant interpretation guidelines (Richards et al. 2015 PMID: 25741868, with internal and published modifications).

NM_001144952.2(SDK2):c.2484+6T>C

Gene: SDK2 (sidekick cell adhesion molecule 2; minus strand). Cytogenetic location: 17q25.1.
Variant type: single nucleotide variant.
Coding change: c.2484+6T>C on transcript NM_001144952.2 (MANE Select); 6 bases into the intron after coding-DNA position 2484, T replaced by C.
Molecular consequence: intron variant.
Genome position (GRCh38, 1-based): chr17:73,414,638, A>G on the plus strand (T>C on the coding strand, the complement: SDK2 is on the minus strand). VCF-style: chr17-73414638-A-G. GRCh37 (hg19) VCF-style: chr17-71410777-A-G.
Identifiers: ClinVar variation 3043840 (VCV003043840.2), dbSNP rs202154952, ClinGen allele CA8743479.